The following is an entry in ClinVar:

NM_015915.5(ATL1):c.1288A>C (p.Ile430Leu)

Gene: ATL1 (atlastin GTPase 1; plus strand). Cytogenetic location: 14q22.1.
Variant type: single nucleotide variant.
Coding change: c.1288A>C on transcript NM_015915.5 (MANE Select); coding-DNA position 1288, A replaced by C.
Protein change: p.Ile430Leu; replaces isoleucine 430 with leucine.
Molecular consequence: missense variant.
Genome position (GRCh38, 1-based): chr14:50,628,199, A>C. VCF-style: chr14-50628199-A-C. GRCh37 (hg19) VCF-style: chr14-51094917-A-C.
Other names: c.1288A>C, p.Ile430Leu (NM_001127713.1, NM_181598.4); short protein forms I430L.
Identifiers: ClinVar variation 1684111 (VCV001684111.8), dbSNP rs1344787853, ClinGen allele CA389675953.

ClinVar aggregate classification (germline): Uncertain significance. Review status: criteria provided, multiple submitters, no conflicts (2 of 4 stars). 2 submissions from 2 submitters: Uncertain significance (2). Last evaluated 2024-09-05.

Conditions:
Hereditary spastic paraplegia 3A (SPG3A). Also called: SPASTIC PARAPLEGIA 3, AUTOSOMAL DOMINANT; FAMILIAL SPASTIC PARAPLEGIA, AUTOSOMAL DOMINANT, 1; SPG3; STRUMPELL DISEASE; Spastic Paraplegia 3A; Spastic paraplegia 3A, autosomal dominant. Identifiers: Orphanet 100984, MedGen C2931355, MONDO:0008437, OMIM 182600.

Allele frequency attached by ClinVar (database versions not stated): gnomAD exomes below 0.00001.
gnomAD v4.1: 10 of 1,614,222 alleles (0.00062%); highest among the groups gnomAD compares: Non-Finnish European, 0.00051%; no homozygotes.

Submissions (2):

Labcorp Genetics (formerly Invitae), Labcorp
Classification: Uncertain significance for Hereditary spastic paraplegia 3A. Last evaluated: 2024-09-05. Review status: criteria provided, single submitter. Criteria: Invitae Variant Classification Sherloc (09022015). Collection method: clinical testing. Allele origin: germline.
Comment: This sequence change replaces isoleucine, which is neutral and non-polar, with leucine, which is neutral and non-polar, at codon 430 of the ATL1 protein (p.Ile430Leu). This variant is present in population databases (no rsID available, gnomAD 0.0009%). This variant has not been reported in the literature in individuals affected with ATL1-related conditions. ClinVar contains an entry for this variant (Variation ID: 1684111). Invitae Evidence Modeling of protein sequence and biophysical properties (such as structural, functional, and spatial information, amino acid conservation, physicochemical variation, residue mobility, and thermodynamic stability) indicates that this missense variant is not expected to disrupt ATL1 protein function with a negative predictive value of 80%. In summary, the available evidence is currently insufficient to determine the role of this variant in disease. Therefore, it has been classified as a Variant of Uncertain Significance.

GeneDx
Classification: Uncertain significance. Last evaluated: 2023-06-29. Review status: criteria provided, single submitter. Criteria: GeneDx Variant Classification Process June 2021. Collection method: clinical testing. Allele origin: germline. Affected: yes.
Comment: Not observed at significant frequency in large population cohorts (gnomAD); In silico analysis supports that this missense variant does not alter protein structure/function; Has not been previously published as pathogenic or benign to our knowledge; This variant is associated with the following publications: (PMID: 23334294)